The following is an entry in ClinVar:

ClinVar aggregate classification (germline): Uncertain significance. Review status: criteria provided, multiple submitters, no conflicts (2 of 4 stars). 4 submissions from 4 submitters: Uncertain significance (4). Last evaluated 2026-01-31.

Conditions:
Hereditary cancer-predisposing syndrome. Also called: Neoplastic Syndromes, Hereditary; Tumor predisposition; Hereditary Cancer Syndrome; Hereditary neoplastic syndrome. Identifiers: Orphanet 140162, MedGen C0027672, MeSH D009386, MONDO:0015356.
Familial cancer of breast. Also called: BREAST CANCER, FAMILIAL; Hereditary breast cancer; hereditary breast carcinoma. Identifiers: Orphanet 227535, MedGen C0346153, MONDO:0016419, OMIM 114480. Disease mechanism: loss of function.

Allele frequency attached by ClinVar (database versions not stated): gnomAD exomes below 0.00001; TOPMed 0.00001.
gnomAD v4.1: 1 of 1,614,168 alleles (0.000062%); highest among the groups gnomAD compares: Non-Finnish European, 0.000085%; no homozygotes.

Submissions (4):

Labcorp Genetics (formerly Invitae), Labcorp
Classification: Uncertain significance for Familial cancer of breast. Last evaluated: 2026-01-31. Review status: criteria provided, single submitter. Criteria: Invitae Variant Classification Sherloc (09022015). Collection method: clinical testing. Allele origin: germline.
Comment: This sequence change replaces proline, which is neutral and non-polar, with leucine, which is neutral and non-polar, at codon 709 of the BARD1 protein (p.Pro709Leu). This variant is not present in population databases (gnomAD no frequency). This variant has not been reported in the literature in individuals affected with BARD1-related conditions. ClinVar contains an entry for this variant (Variation ID: 187104). An algorithm developed to predict the effect of missense changes on protein structure and function (PolyPhen-2) suggests that this variant is likely to be disruptive. In summary, the available evidence is currently insufficient to determine the role of this variant in disease. Therefore, it has been classified as a Variant of Uncertain Significance.

Ambry Genetics
Classification: Uncertain significance for Hereditary cancer-predisposing syndrome. Last evaluated: 2025-03-12. Review status: criteria provided, single submitter. Criteria: Ambry Variant Classification Scheme 2023. Collection method: clinical testing. Allele origin: germline.
Comment: The p.P709L variant (also known as c.2126C>T), located in coding exon 11 of the BARD1 gene, results from a C to T substitution at nucleotide position 2126. The proline at codon 709 is replaced by leucine, an amino acid with similar properties. This amino acid position is highly conserved in available vertebrate species. In addition, the in silico prediction for this alteration is inconclusive. Since supporting evidence is limited at this time, the clinical significance of this alteration remains unclear.

Baylor Genetics
Classification: Uncertain significance for Familial cancer of breast. Last evaluated: 2023-12-05. Review status: criteria provided, single submitter. Criteria: ACMG Guidelines, 2015. Collection method: clinical testing. Allele origin: unknown.

Women's Health and Genetics/Laboratory Corporation of America, LabCorp
Classification: Uncertain significance. Last evaluated: 2021-10-20. Review status: criteria provided, single submitter. Criteria: LabCorp Variant Classification Summary - May 2015. Collection method: clinical testing. Allele origin: germline.

NM_000465.4(BARD1):c.2126C>T (p.Pro709Leu)

Gene: BARD1 (BRCA1 associated RING domain 1; minus strand). Cytogenetic location: 2q35.
Variant type: single nucleotide variant.
Coding change: c.2126C>T on transcript NM_000465.4 (MANE Select); coding-DNA position 2126, C replaced by T.
Protein change: p.Pro709Leu; replaces proline 709 with leucine.
Molecular consequence: missense variant. On other transcripts: non-coding transcript variant (3).
Genome position (GRCh38, 1-based): chr2:214,728,884, G>A on the plus strand (C>T on the coding strand, the complement: BARD1 is on the minus strand). VCF-style: chr2-214728884-G-A. GRCh37 (hg19) VCF-style: chr2-215593608-G-A.
Other names: c.2069C>T, p.Pro690Leu (NM_001282543.2); c.773C>T, p.Pro258Leu (NM_001282545.2); c.716C>T, p.Pro239Leu (NM_001282548.2); c.587C>T, p.Pro196Leu (NM_001282549.2); short protein forms P709L, P196L, P239L, P258L, P690L.
Identifiers: ClinVar variation 187104 (VCV000187104.17), dbSNP rs786203474, ClinGen allele CA196748.
Genomic context (GRCh38, chr2:214,728,884, plus strand): 5'-TCAGAATCGGGTCTCGCATGGTATGCGACTGTATTGATGGTCTGAGTCACGTCACTGTCT[G>A]GCTTGGGCTTTCTACTGAGGATCTGGCCCCCACCTGCAGTGACGAGCTTAATAAGGTTGT-3'
Protein context (NP_000456.2, residues 699-719): GGQILSRKPK[Pro709Leu]DSDVTQTINT